The following is an entry in ClinVar:

NM_177438.3(DICER1):c.2978C>T (p.Thr993Ile)

Gene: DICER1 (dicer 1, ribonuclease III; minus strand). Cytogenetic location: 14q32.13.
Variant type: single nucleotide variant.
Coding change: c.2978C>T on transcript NM_177438.3 (MANE Select); coding-DNA position 2978, C replaced by T.
Protein change: p.Thr993Ile; replaces threonine 993 with isoleucine.
Molecular consequence: missense variant. On other transcripts: non-coding transcript variant (6).
Genome position (GRCh38, 1-based): chr14:95,106,050, G>A on the plus strand (C>T on the coding strand, the complement: DICER1 is on the minus strand). VCF-style: chr14-95106050-G-A. GRCh37 (hg19) VCF-style: chr14-95572387-G-A.
Other names: c.2978C>T, p.Thr993Ile (NM_001195573.1, NM_001271282.3, NM_001291628.2 and 13 more transcripts); c.2696C>T, p.Thr899Ile (NM_001395686.1); c.2573C>T, p.Thr858Ile (NM_001395687.1, NM_001395688.1, NM_001395689.1 and 2 more transcripts); c.2411C>T, p.Thr804Ile (NM_001395691.1); c.1295C>T, p.Thr432Ile (NM_001395697.1); short protein forms T993I, T858I, T899I, T804I, T432I.
Identifiers: ClinVar variation 1798348 (VCV001798348.2), dbSNP rs2542784982, ClinGen allele CA390878785.

ClinVar aggregate classification (germline): Uncertain significance (1 of 4 stars; one submission).

Conditions:
Hereditary cancer-predisposing syndrome. Also called: Neoplastic Syndromes, Hereditary; Tumor predisposition; Hereditary Cancer Syndrome; Hereditary neoplastic syndrome. Identifiers: Orphanet 140162, MedGen C0027672, MeSH D009386, MONDO:0015356.

Submission:

Ambry Genetics
Classification: Uncertain significance for Hereditary cancer-predisposing syndrome. Last evaluated: 2020-07-01. Review status: criteria provided, single submitter. Criteria: Ambry Variant Classification Scheme 2023. Collection method: clinical testing. Allele origin: germline.
Comment: The p.T993I variant (also known as c.2978C>T), located in coding exon 17 of the DICER1 gene, results from a C to T substitution at nucleotide position 2978. The threonine at codon 993 is replaced by isoleucine, an amino acid with similar properties. This amino acid position is highly conserved in available vertebrate species. In addition, the in silico prediction for this alteration is inconclusive. Since supporting evidence is limited at this time, the clinical significance of this alteration remains unclear.